The following is an entry in ClinVar:

ClinVar aggregate classification (germline): Uncertain significance. Review status: criteria provided, multiple submitters, no conflicts (2 of 4 stars). 2 submissions from 2 submitters: Uncertain significance (2). Last evaluated 2025-10-01.

Conditions:
Familial hypokalemia-hypomagnesemia (GTLMNS). Also called: HYPOMAGNESEMIA-HYPOKALEMIA, PRIMARY RENOTUBULAR, WITH HYPOCALCIURIA; POTASSIUM AND MAGNESIUM DEPLETION; gitelman syndrome. Identifiers: Orphanet 358, MedGen C0268450, MONDO:0009904, OMIM 263800.

Allele frequency attached by ClinVar (database versions not stated): gnomAD exomes 0.00001 and below 0.00001.
gnomAD v4.1: 5 of 1,614,218 alleles (0.00031%); highest among the groups gnomAD compares: South Asian, 0.0055%; no homozygotes.

Submissions (2):

Labcorp Genetics (formerly Invitae), Labcorp
Classification: Uncertain significance. Last evaluated: 2025-10-01. Review status: criteria provided, single submitter. Criteria: Invitae Variant Classification Sherloc (09022015). Collection method: clinical testing. Allele origin: germline.
Comment: This sequence change replaces tryptophan, which is neutral and slightly polar, with cysteine, which is neutral and slightly polar, at codon 587 of the SLC12A3 protein (p.Trp587Cys). This variant is present in population databases (no rsID available, gnomAD 0.006%). This variant has not been reported in the literature in individuals affected with SLC12A3-related conditions. ClinVar contains an entry for this variant (Variation ID: 1510058). Invitae Evidence Modeling of protein sequence and biophysical properties (such as structural, functional, and spatial information, amino acid conservation, physicochemical variation, residue mobility, and thermodynamic stability) indicates that this missense variant is expected to disrupt SLC12A3 protein function with a positive predictive value of 95%. In summary, the available evidence is currently insufficient to determine the role of this variant in disease. Therefore, it has been classified as a Variant of Uncertain Significance.

Fulgent Genetics
Classification: Uncertain significance for Familial hypokalemia-hypomagnesemia. Last evaluated: 2024-02-06. Review status: criteria provided, single submitter. Criteria: ACMG Guidelines, 2015. Collection method: clinical testing. Allele origin: germline.

NM_001126108.2(SLC12A3):c.1761G>C (p.Trp587Cys)

Gene: SLC12A3 (solute carrier family 12 member 3; plus strand). Cytogenetic location: 16q13.
Variant type: single nucleotide variant.
Coding change: c.1761G>C on transcript NM_001126108.2 (MANE Select); coding-DNA position 1761, G replaced by C.
Protein change: p.Trp587Cys; replaces tryptophan 587 with cysteine.
Molecular consequence: missense variant.
Genome position (GRCh38, 1-based): chr16:56,884,140, G>C. VCF-style: chr16-56884140-G-C. GRCh37 (hg19) VCF-style: chr16-56918052-G-C.
Other names: c.1761G>C, p.Trp587Cys (NM_000339.3); c.1758G>C, p.Trp586Cys (NM_001126107.2); short protein forms W586C, W587C.
Identifiers: ClinVar variation 1510058 (VCV001510058.6), dbSNP rs1316593507, ClinGen allele CA395990715.